The following is an entry in ClinVar:

ClinVar aggregate classification (germline): Uncertain significance. Review status: criteria provided, multiple submitters, no conflicts (2 of 4 stars). 2 submissions from 2 submitters: Uncertain significance (2). Last evaluated 2023-11-28.

gnomAD v4.1: 1 of 1,613,954 alleles (0.000062%); highest among the groups gnomAD compares: Non-Finnish European, 0.000085%; no homozygotes.

Submissions (2):

Labcorp Genetics (formerly Invitae), Labcorp
Classification: Uncertain significance. Last evaluated: 2023-11-28. Review status: criteria provided, single submitter. Criteria: Invitae Variant Classification Sherloc (09022015). Collection method: clinical testing. Allele origin: germline.
Comment: This sequence change replaces glycine, which is neutral and non-polar, with glutamic acid, which is acidic and polar, at codon 73 of the PDE6C protein (p.Gly73Glu). This variant is not present in population databases (gnomAD no frequency). This variant has not been reported in the literature in individuals affected with PDE6C-related conditions. ClinVar contains an entry for this variant (Variation ID: 2123340). Advanced modeling of protein sequence and biophysical properties (such as structural, functional, and spatial information, amino acid conservation, physicochemical variation, residue mobility, and thermodynamic stability) performed at Invitae indicates that this missense variant is not expected to disrupt PDE6C protein function with a negative predictive value of 80%. In summary, the available evidence is currently insufficient to determine the role of this variant in disease. Therefore, it has been classified as a Variant of Uncertain Significance.

Blueprint Genetics
Classification: Uncertain significance. Last evaluated: 2022-09-09. Review status: criteria provided, single submitter. Criteria: ACMG Guidelines, 2015. Collection method: clinical testing. Allele origin: germline.

NM_006204.4(PDE6C):c.218G>A (p.Gly73Glu)

Gene: PDE6C (phosphodiesterase 6C; plus strand). Cytogenetic location: 10q23.33.
Variant type: single nucleotide variant.
Coding change: c.218G>A on transcript NM_006204.4 (MANE Select); coding-DNA position 218, G replaced by A.
Protein change: p.Gly73Glu; replaces glycine 73 with glutamic acid.
Molecular consequence: missense variant.
Genome position (GRCh38, 1-based): chr10:93,612,943, G>A. VCF-style: chr10-93612943-G-A. GRCh37 (hg19) VCF-style: chr10-95372700-G-A.
Other names: short protein forms G73E.
Identifiers: ClinVar variation 2123340 (VCV002123340.5), dbSNP rs749089806, ClinGen allele CA377621914.